The following is an entry in ClinVar:

NM_023110.3(FGFR1):c.-699C>T

Gene: FGFR1 (fibroblast growth factor receptor 1; minus strand). Cytogenetic location: 8p11.23.
Variant type: single nucleotide variant.
Coding change: c.-699C>T on transcript NM_023110.3 (MANE Select); 699 bases upstream of the start codon, C replaced by T.
Molecular consequence: 5 prime UTR variant.
Genome position (GRCh38, 1-based): chr8:38,468,591, G>A on the plus strand (C>T on the coding strand, the complement: FGFR1 is on the minus strand). VCF-style: chr8-38468591-G-A. GRCh37 (hg19) VCF-style: chr8-38326109-G-A.
Other names: c.-699C>T (NM_001174063.2, NM_001354367.2, NM_001354368.2 and 4 more transcripts); c.-791C>T (NM_001174064.2).
Identifiers: ClinVar variation 362919 (VCV000362919.12), dbSNP rs328307, ClinGen allele CA10630980.

ClinVar aggregate classification (germline): Benign. Review status: criteria provided, multiple submitters, no conflicts (2 of 4 stars). 5 submissions from 2 submitters: Benign (5). Last evaluated 2018-07-31.

Conditions:
Trigonocephaly 1 (TRIGNO1). Identifiers: Orphanet 3366, MedGen C0432122, MONDO:0008603, OMIM 190440.
Craniosynostosis syndrome. Also called: Craniosynostosis. Identifiers: Orphanet 1531, MedGen C0010278, MeSH D003398, MONDO:0015469, HP:0001363.
Osteoglophonic dysplasia (OGD). Also called: Osteoglophonic dwarfism. Identifiers: Orphanet 2645, MedGen C0432283, MONDO:0008150, OMIM 166250.
Hypogonadotropic hypogonadism 2 with or without anosmia (HH2). Also called: HYPOGONADOTROPIC HYPOGONADISM 2 WITH OR WITHOUT ANOSMIA, SUSCEPTIBILITY TO; HYPOGONADOTROPIC HYPOGONADISM 2 WITHOUT ANOSMIA, SUSCEPTIBILITY TO; FGFR1-Related GnRH Deficiency (Kallmann Syndrome 2); HYPOGONADOTROPIC HYPOGONADISM 2 WITHOUT ANOSMIA. Identifiers: Orphanet 478, MedGen C1563720, MONDO:0007844, OMIM 147950. Disease mechanism: loss of function.

Allele frequency attached by ClinVar (database versions not stated): gnomAD 0.06416 and 0.06862; 1000 Genomes Project 30x 0.07167; 1000 Genomes Project 0.07169; TOPMed 0.07215.

Submissions (5):

ARUP Laboratories, Molecular Genetics and Genomics, ARUP Laboratories
Classification: Benign. Last evaluated: 2018-07-31. Review status: criteria provided, single submitter. Criteria: ARUP Molecular Germline Variant Investigation Process. Collection method: clinical testing. Allele origin: germline.

Illumina Laboratory Services, Illumina
Classification: Benign for Osteoglophonic dysplasia. Last evaluated: 2018-01-13. Review status: criteria provided, single submitter. Criteria: ICSL Variant Classification Criteria 13 December 2019. Collection method: clinical testing. Allele origin: germline.
Comment: This variant was observed in the ICSL laboratory as part of a predisposition screen in an ostensibly healthy population. It had not been previously curated by ICSL or reported in the Human Gene Mutation Database (HGMD: prior to June 1st, 2018), and was therefore a candidate for classification through an automated scoring system. Utilizing variant allele frequency, disease prevalence and penetrance estimates, and inheritance mode, an automated score was calculated to assess if this variant is too frequent to cause the disease. Based on the score and internal cut-off values, a variant classified as benign is not then subjected to further curation. The score for this variant resulted in a classification of benign for this disease.

Illumina Laboratory Services, Illumina
Classification: Benign for Craniosynostosis. Last evaluated: 2018-01-13. Review status: criteria provided, single submitter. Criteria: ICSL Variant Classification Criteria 13 December 2019. Collection method: clinical testing. Allele origin: germline.
Comment: the same text as in the submission from Illumina Laboratory Services, Illumina above.

Illumina Laboratory Services, Illumina
Classification: Benign for Trigonocephaly 1. Last evaluated: 2018-01-13. Review status: criteria provided, single submitter. Criteria: ICSL Variant Classification Criteria 13 December 2019. Collection method: clinical testing. Allele origin: germline.
Comment: the same text as in the submission from Illumina Laboratory Services, Illumina above.

Illumina Laboratory Services, Illumina
Classification: Benign for Hypogonadotropic hypogonadism 2 with or without anosmia. Last evaluated: 2018-01-13. Review status: criteria provided, single submitter. Criteria: ICSL Variant Classification Criteria 13 December 2019. Collection method: clinical testing. Allele origin: germline.
Comment: the same text as in the submission from Illumina Laboratory Services, Illumina above.